The following is an entry in ClinVar:

ClinVar aggregate classification (germline): Uncertain significance (1 of 4 stars; one submission).

Conditions:
Hereditary cancer-predisposing syndrome. Also called: Hereditary neoplastic syndrome; Hereditary Cancer Syndrome; Neoplastic Syndromes, Hereditary; Tumor predisposition. Identifiers: Orphanet 140162, MedGen C0027672, MeSH D009386, MONDO:0015356.

Allele frequency attached by ClinVar (database versions not stated): gnomAD 0.00001.
gnomAD v4.1: 1 of 1,613,946 alleles (0.000062%); highest among the groups gnomAD compares: South Asian, 0.0011%; no homozygotes.

Submission:

Color Diagnostics, LLC DBA Color Health
Classification: Uncertain significance for Hereditary cancer-predisposing syndrome. Last evaluated: 2023-07-21. Review status: criteria provided, single submitter. Criteria: ACMG Guidelines, 2015. Collection method: clinical testing. Allele origin: germline.
Comment: This variant causes a C to G nucleotide substitution at the -5 position of the 5' untranslated region in the RAD51C protein. To our knowledge, functional studies have not been reported for this variant. This variant has not been reported in individuals affected with RAD51C-related disorders in the literature. This variant has not been identified in the general population by the Genome Aggregation Database (gnomAD). The available evidence is insufficient to determine the role of this variant in disease conclusively. Therefore, this variant is classified as a Variant of Uncertain Significance.

NM_058216.3(RAD51C):c.-5C>G

Gene: RAD51C (RAD51 paralog C; plus strand). Cytogenetic location: 17q22.
Variant type: single nucleotide variant.
Coding change: c.-5C>G on transcript NM_058216.3 (MANE Select); 5 bases upstream of the start codon, C replaced by G.
Molecular consequence: 5 prime UTR variant. On other transcripts: non-coding transcript variant (2).
Genome position (GRCh38, 1-based): chr17:58,692,639, C>G. VCF-style: chr17-58692639-C-G. GRCh37 (hg19) VCF-style: chr17-56770000-C-G.
Other names: c.-5C>G (NM_002876.4, NM_058217.1).
Identifiers: ClinVar variation 2774188 (VCV002774188.2), dbSNP rs876658482, ClinGen allele CA985049687.